The following is an entry in ClinVar:

ClinVar aggregate classification (germline): Uncertain significance. Review status: criteria provided, multiple submitters, no conflicts (2 of 4 stars). 2 submissions from 2 submitters: Uncertain significance (2). Last evaluated 2025-08-01.

Conditions:
Inborn genetic diseases. Identifiers: MedGen C0950123, MeSH D030342.

Allele frequency attached by ClinVar (database versions not stated): ExAC 0.00003; gnomAD 0.00004; TOPMed 0.00007.

Submissions (2):

Ambry Genetics
Classification: Uncertain significance for Inborn genetic diseases. Last evaluated: 2025-08-01. Review status: criteria provided, single submitter. Criteria: Ambry Variant Classification Scheme 2023. Collection method: clinical testing. Allele origin: germline.

Labcorp Genetics (formerly Invitae), Labcorp
Classification: Uncertain significance. Last evaluated: 2022-07-02. Review status: criteria provided, single submitter. Criteria: Invitae Variant Classification Sherloc (09022015). Collection method: clinical testing. Allele origin: germline.
Comment: This sequence change replaces threonine, which is neutral and polar, with methionine, which is neutral and non-polar, at codon 1479 of the TUBGCP6 protein (p.Thr1479Met). This variant is present in population databases (rs747283271, gnomAD 0.007%). This variant has not been reported in the literature in individuals affected with TUBGCP6-related conditions. Algorithms developed to predict the effect of missense changes on protein structure and function are either unavailable or do not agree on the potential impact of this missense change (SIFT: "Deleterious"; PolyPhen-2: "Probably Damaging"; Align-GVGD: "Class C0"). In summary, the available evidence is currently insufficient to determine the role of this variant in disease. Therefore, it has been classified as a Variant of Uncertain Significance.

NM_020461.4(TUBGCP6):c.4436C>T (p.Thr1479Met)

Gene: TUBGCP6 (tubulin gamma complex component 6; minus strand). Cytogenetic location: 22q13.33.
Variant type: single nucleotide variant.
Coding change: c.4436C>T on transcript NM_020461.4 (MANE Select); coding-DNA position 4436, C replaced by T.
Protein change: p.Thr1479Met; replaces threonine 1479 with methionine.
Molecular consequence: missense variant.
Genome position (GRCh38, 1-based): chr22:50,219,336, G>A on the plus strand (C>T on the coding strand, the complement: TUBGCP6 is on the minus strand). VCF-style: chr22-50219336-G-A. GRCh37 (hg19) VCF-style: chr22-50657765-G-A.
Other names: c.4436C>T (NM_020461.3); short protein forms T1479M.
Identifiers: ClinVar variation 1939580 (VCV001939580.3), dbSNP rs747283271, ClinGen allele CA10307514.